The following is an entry in ClinVar:

NM_000051.4(ATM):c.5980A>G (p.Lys1994Glu)

Genes: ATM (ATM serine/threonine kinase; plus strand), C11orf65 (chromosome 11 open reading frame 65; minus strand). Cytogenetic location: 11q22.3.
Variant type: single nucleotide variant.
Coding change: c.5980A>G on transcript NM_000051.4 (MANE Select); coding-DNA position 5980, A replaced by G.
Protein change: p.Lys1994Glu; replaces lysine 1994 with glutamic acid.
Molecular consequence: missense variant. On other transcripts: intron variant (2).
Genome position (GRCh38, 1-based): chr11:108,312,472, A>G. VCF-style: chr11-108312472-A-G. GRCh37 (hg19) VCF-style: chr11-108183199-A-G.
Other names: c.5980A>G, p.Lys1994Glu (NM_001351834.2); c.641-3401T>C (NM_001330368.2); c.*39-3401T>C (NM_001351110.2); short protein forms K1994E.
Identifiers: ClinVar variation 1716843 (VCV001716843.8), dbSNP rs1565493693, ClinGen allele CA382548757.

ClinVar aggregate classification (germline): Uncertain significance. Review status: criteria provided, multiple submitters, no conflicts (2 of 4 stars). 2 submissions from 2 submitters: Uncertain significance (2). Last evaluated 2024-08-04.

Conditions:
Ataxia-telangiectasia syndrome (AT). Also called: Ataxia telangiectasia (A-T); LOUIS-BAR SYNDROME; Cerebello-oculocutaneous telangiectasia; Immunodeficiency with ataxia telangiectasia; Ataxia-telangiectasia, complementation group D; AT, COMPLEMENTATION GROUP C. Identifiers: Orphanet 100, MedGen C0004135, MONDO:0008840, OMIM 208900.
Hereditary cancer-predisposing syndrome. Also called: Hereditary neoplastic syndrome; Neoplastic Syndromes, Hereditary; Tumor predisposition; Hereditary Cancer Syndrome. Identifiers: Orphanet 140162, MedGen C0027672, MeSH D009386, MONDO:0015356.

Submissions (2):

Labcorp Genetics (formerly Invitae), Labcorp
Classification: Uncertain significance for Ataxia-telangiectasia syndrome. Last evaluated: 2024-08-04. Review status: criteria provided, single submitter. Criteria: Invitae Variant Classification Sherloc (09022015). Collection method: clinical testing. Allele origin: germline.
Comment: This sequence change replaces lysine, which is basic and polar, with glutamic acid, which is acidic and polar, at codon 1994 of the ATM protein (p.Lys1994Glu). This variant is not present in population databases (gnomAD no frequency). This variant has not been reported in the literature in individuals affected with ATM-related conditions. ClinVar contains an entry for this variant (Variation ID: 1716843). An algorithm developed to predict the effect of missense changes on protein structure and function (PolyPhen-2) suggests that this variant is likely to be tolerated. In summary, the available evidence is currently insufficient to determine the role of this variant in disease. Therefore, it has been classified as a Variant of Uncertain Significance.

Ambry Genetics
Classification: Uncertain significance for Hereditary cancer-predisposing syndrome. Last evaluated: 2020-03-17. Review status: criteria provided, single submitter. Criteria: Ambry Variant Classification Scheme 2023. Collection method: clinical testing. Allele origin: germline.
Comment: The p.K1994E variant (also known as c.5980A>G), located in coding exon 39 of the ATM gene, results from an A to G substitution at nucleotide position 5980. The lysine at codon 1994 is replaced by glutamic acid, an amino acid with similar properties. This amino acid position is not well conserved in available vertebrate species. In addition, this alteration is predicted to be tolerated by in silico analysis. Since supporting evidence is limited at this time, the clinical significance of this alteration remains unclear.